The following is an entry in ClinVar:

ClinVar aggregate classification (germline): Pathogenic (1 of 4 stars; one submission).

Conditions:
X-linked Alport syndrome (ATS1). Also called: NEPHROPATHY AND DEAFNESS, X-LINKED; COL4A5-Related Nephropathy. Identifiers: Orphanet 63, Orphanet 88917, MedGen C4746986, MONDO:0010520, OMIM 301050.

Submission:

Laboratorio de Genetica e Diagnostico Molecular, Hospital Israelita Albert Einstein
Classification: Pathogenic for X-linked Alport syndrome. Last evaluated: 2022-09-22. Review status: criteria provided, single submitter. Criteria: ACMG Guidelines, 2015. Collection method: clinical testing. Allele origin: germline. Affected: yes. Observed: 1 variant allele.
Comment: ACMG classification criteria: PVS1 very strong, PS4 supporting, PM2 moderated, PP4

NM_033380.3(COL4A5):c.3032del (p.Pro1011fs)

Gene: COL4A5 (collagen type IV alpha 5 chain; plus strand). Cytogenetic location: Xq22.3.
Variant type: Deletion.
Coding change: c.3032del on transcript NM_033380.3 (MANE Select); coding-DNA position 3032, one base deleted (C; older notation c.3032delC).
Protein change: p.Pro1011fs; shifts the reading frame from proline 1011.
Molecular consequence: frameshift variant.
Genome position (GRCh38, 1-based): chrX:108,625,720, C deleted; the last of 3 consecutive C bases (chrX:108,625,718-108,625,720); deleting any one gives the same sequence. VCF-style (leftmost placement, unchanged base first): chrX-108625717-AC-A. GRCh37 (hg19) VCF-style: chrX-107868947-AC-A.
Other names: c.3032del, p.Pro1011fs (NM_000495.5); short protein forms P1011fs.
Identifiers: ClinVar variation 2431705 (VCV002431705.1), dbSNP rs2524420036, ClinGen allele CA2580100214.